The following is an entry in ClinVar:

ClinVar aggregate classification (germline): Uncertain significance (1 of 4 stars; one submission).

Conditions:
Charcot-Marie-Tooth disease type 2. Also called: Charcot-Marie-Tooth type 2. Identifiers: Orphanet 64746, MedGen C0270914, MONDO:0018993.

Submission:

Labcorp Genetics (formerly Invitae), Labcorp
Classification: Uncertain significance for Charcot-Marie-Tooth disease type 2. Last evaluated: 2021-09-20. Review status: criteria provided, single submitter. Criteria: Invitae Variant Classification Sherloc (09022015). Collection method: clinical testing. Allele origin: germline.
Comment: A copy number gain of the genomic region encompassing the full coding sequence of the LMNA gene has been identified. The boundaries of this event are unknown as they extend beyond the assayed region for this gene and therefore may encompass additional genes. As the precise location of this event is unknown, it may be in tandem or it may be located elsewhere in the genome. Isolated whole-gene copy number gains of LMNA have not been reported in the literature. However, larger copy number events that include this gene have been reported (PMID: 29845577). In summary, the available evidence is currently insufficient to determine the role of this variant in disease. Therefore, it has been classified as a Variant of Uncertain Significance.

Literature cited by the submitters: PubMed 29845577.

NC_000001.10:g.(?_154141761)_(156851434_?)dup

Genes: ADAM15 (ADAM metallopeptidase domain 15; plus strand), ADAR (adenosine deaminase RNA specific; minus strand), AQP10 (aquaporin 10; plus strand), ARHGEF2 (Rho/Rac guanine nucleotide exchange factor 2; minus strand), ASH1L (ASH1 like histone lysine methyltransferase; minus strand) and 87 more. Cytogenetic location: 1q21.3-23.1.
Variant type: Duplication.
Identifiers: ClinVar variation 1450274 (VCV001450274.4).